The following is an entry in ClinVar:

ClinVar aggregate classification (germline): Likely pathogenic (1 of 4 stars; one submission).

Conditions:
Nemaline myopathy 2 (NEM2). Also called: Nemaline myopathy 2, autosomal recessive. Identifiers: MedGen C1850569, MONDO:0009725, OMIM 256030.

Submission:

Myriad Genetics, Inc.
Classification: Likely pathogenic for Nemaline myopathy 2. Last evaluated: 2022-01-02. Review status: criteria provided, single submitter. Criteria: Myriad Women's Health Autosomal Recessive and X-Linked Classification Criteria (2021). Collection method: clinical testing. Allele origin: unknown.
Comment: NM_001271208.1(NEB):c.3997A>T(K1333*) is expected to be pathogenic in the context of NEB-related nemaline myopathy. This variant is predicted to lead to an abnormal or absent protein product due to the creation of a premature termination codon in NEB, a gene where loss-of-function variants are known to be pathogenic. Please note: this variant was assessed in the context of healthy population screening.

NM_001164508.2(NEB):c.3997A>T (p.Lys1333Ter)

Gene: NEB (nebulin; minus strand). Cytogenetic location: 2q23.3.
Variant type: single nucleotide variant.
Coding change: c.3997A>T on transcript NM_001164508.2 (MANE Select); coding-DNA position 3997, A replaced by T.
Protein change: p.Lys1333Ter; replaces lysine 1333 with a stop codon.
Molecular consequence: nonsense.
Genome position (GRCh38, 1-based): chr2:151,672,671, T>A on the plus strand (A>T on the coding strand, the complement: NEB is on the minus strand). VCF-style: chr2-151672671-T-A. GRCh37 (hg19) VCF-style: chr2-152529185-T-A.
Other names: c.3997A>T, p.Lys1333Ter (NM_001164507.2, NM_001271208.2, NM_004543.5); short protein forms K1333*.
Identifiers: ClinVar variation 1726849 (VCV001726849.2), dbSNP rs2552260702, ClinGen allele CA348817175.
Genomic context (GRCh38, chr2:151,672,671, plus strand): 5'-GATCATCCTGGAGGCTTCTGAAACCCACATGCTTTCCCTTTGACTTCTCATAAGCTTCCT[T>A]GTATTTATACTGTGGAGGCAGAATTGGGTTAGCAAAGTCCTAGGCATTGATAGCATTAGC-3'